The following is an entry in ClinVar:

ClinVar aggregate classification (germline): Uncertain significance (1 of 4 stars; one submission).

Allele frequency attached by ClinVar (database versions not stated): TOPMed below 0.00001; gnomAD 0.00002; 1000 Genomes Project 30x 0.00047; 1000 Genomes Project 0.00060.
gnomAD v4.1: 90 of 1,613,984 alleles (0.0056%); highest among the groups gnomAD compares: South Asian, 0.093%; 1 homozygote.

Submission:

Labcorp Genetics (formerly Invitae), Labcorp
Classification: Uncertain significance. Last evaluated: 2025-05-19. Review status: criteria provided, single submitter. Criteria: Invitae Variant Classification Sherloc (09022015). Collection method: clinical testing. Allele origin: germline.
Comment: This sequence change replaces proline, which is neutral and non-polar, with serine, which is neutral and polar, at codon 306 of the IL23R protein (p.Pro306Ser). This variant is present in population databases (rs545141199, gnomAD 0.1%), and has an allele count higher than expected for a pathogenic variant. This variant has not been reported in the literature in individuals affected with IL23R-related conditions. ClinVar contains an entry for this variant (Variation ID: 1350406). An algorithm developed to predict the effect of missense changes on protein structure and function outputs the following: PolyPhen-2: "Benign". The serine amino acid residue is found in multiple mammalian species, which suggests that this missense change does not adversely affect protein function. In summary, the available evidence is currently insufficient to determine the role of this variant in disease. Therefore, it has been classified as a Variant of Uncertain Significance.

NM_144701.3(IL23R):c.916C>T (p.Pro306Ser)

Gene: IL23R (interleukin 23 receptor; plus strand). Cytogenetic location: 1p31.3.
Variant type: single nucleotide variant.
Coding change: c.916C>T on transcript NM_144701.3 (MANE Select); coding-DNA position 916, C replaced by T.
Protein change: p.Pro306Ser; replaces proline 306 with serine.
Molecular consequence: missense variant.
Genome position (GRCh38, 1-based): chr1:67,219,691, C>T. VCF-style: chr1-67219691-C-T. GRCh37 (hg19) VCF-style: chr1-67685374-C-T.
Other names: short protein forms P306S.
Identifiers: ClinVar variation 1350406 (VCV001350406.8), dbSNP rs545141199, ClinGen allele CA899865.